The following is an entry in ClinVar:

ClinVar aggregate classification (germline): Likely benign. Review status: criteria provided, multiple submitters, no conflicts (2 of 4 stars). 4 submissions from 4 submitters: Likely benign (4). Last evaluated 2023-07-25.

Conditions:
Cardiovascular phenotype. Identifiers: MedGen CN230736.
Long QT syndrome (LQTS). Identifiers: MedGen C0023976, MeSH D008133, MONDO:0002442. Disease mechanism: loss of function. Inheritance: Various modes of inheritance.

Allele frequency attached by ClinVar (database versions not stated): gnomAD exomes 0.00003; gnomAD 0.00004 and 0.00003; TOPMed 0.00006; ExAC 0.00001.
gnomAD v4.1: 47 of 1,613,868 alleles (0.0029%); highest among the groups gnomAD compares: East Asian, 0.029%; no homozygotes.

Submissions (4):

Labcorp Genetics (formerly Invitae), Labcorp
Classification: Likely benign for Long QT syndrome. Last evaluated: 2023-07-25. Review status: criteria provided, single submitter. Criteria: Invitae Variant Classification Sherloc (09022015). Collection method: clinical testing. Allele origin: germline.

Blueprint Genetics
Classification: Likely benign. Last evaluated: 2023-06-15. Review status: criteria provided, single submitter. Criteria: ACMG Guidelines, 2015. Collection method: clinical testing. Allele origin: germline.

Ambry Genetics
Classification: Likely benign for Cardiovascular phenotype. Last evaluated: 2017-10-13. Review status: criteria provided, single submitter. Criteria: Ambry Variant Classification Scheme 2023. Collection method: clinical testing. Allele origin: germline.

GeneDx
Classification: Likely benign. Last evaluated: 2017-04-25. Review status: criteria provided, single submitter. Criteria: GeneDx Variant Classification (06012015). Collection method: clinical testing. Allele origin: germline. Affected: yes.
Comment: This variant is considered likely benign or benign based on one or more of the following criteria: it is a conservative change, it occurs at a poorly conserved position in the protein, it is predicted to be benign by multiple in silico algorithms, and/or has population frequency not consistent with disease.

NM_001148.6(ANK2):c.6726G>A (p.Thr2242=)

Gene: ANK2 (ankyrin 2; plus strand). Cytogenetic location: 4q26.
Variant type: single nucleotide variant.
Coding change: c.6726G>A on transcript NM_001148.6 (MANE Select); coding-DNA position 6726, G replaced by A.
Protein change: p.Thr2242=; no amino-acid change (threonine 2242 retained).
Molecular consequence: synonymous variant. On other transcripts: intron variant (68).
Genome position (GRCh38, 1-based): chr4:113,355,344, G>A. VCF-style: chr4-113355344-G-A. GRCh37 (hg19) VCF-style: chr4-114276500-G-A.
Other names: c.6492G>A, p.Thr2164= (NM_001386142.1); c.3126G>A, p.Thr1042= (NM_001386166.1); c.6867G>A, p.Thr2289= (NM_001386174.1); c.6843G>A, p.Thr2281= (NM_001386175.1); c.4411+5095G>A (NM_001386186.2, NM_001386148.2); c.4213+5095G>A (NM_001354269.3); c.4291+5095G>A (NM_001386187.2); c.4252+5095G>A (NM_001386147.1); and 35 more.
Identifiers: ClinVar variation 516770 (VCV000516770.13), dbSNP rs778145810, ClinGen allele CA3051462.